The following is an entry in ClinVar:

NM_001145809.2(MYH14):c.4160G>A (p.Arg1387Lys)

Gene: MYH14 (myosin heavy chain 14; plus strand). Cytogenetic location: 19q13.33.
Variant type: single nucleotide variant.
Coding change: c.4160G>A on transcript NM_001145809.2 (MANE Select); coding-DNA position 4160, G replaced by A.
Protein change: p.Arg1387Lys; replaces arginine 1387 with lysine.
Molecular consequence: missense variant.
Genome position (GRCh38, 1-based): chr19:50,280,253, G>A. VCF-style: chr19-50280253-G-A. GRCh37 (hg19) VCF-style: chr19-50783510-G-A.
Other names: c.4061G>A, p.Arg1354Lys (NM_001077186.2); c.4037G>A, p.Arg1346Lys (NM_024729.4); short protein forms R1387K, R1354K, R1346K.
Identifiers: ClinVar variation 4779716 (VCV004779716.1).

ClinVar aggregate classification (germline): Uncertain significance (1 of 4 stars; one submission).

gnomAD v4.1: 1 of 1,551,758 alleles (0.000064%); highest among the groups gnomAD compares: South Asian, 0.0012%; no homozygotes.

Submission:

Labcorp Genetics (formerly Invitae), Labcorp
Classification: Uncertain significance. Last evaluated: 2025-03-27. Review status: criteria provided, single submitter. Criteria: Invitae Variant Classification Sherloc (09022015). Collection method: clinical testing. Allele origin: germline.
Comment: This sequence change replaces arginine, which is basic and polar, with lysine, which is basic and polar, at codon 1346 of the MYH14 protein (p.Arg1346Lys). This variant is present in population databases (no rsID available, gnomAD 0.004%). This variant has not been reported in the literature in individuals affected with MYH14-related conditions. Invitae Evidence Modeling of protein sequence and biophysical properties (such as structural, functional, and spatial information, amino acid conservation, physicochemical variation, residue mobility, and thermodynamic stability) indicates that this missense variant is not expected to disrupt MYH14 protein function with a negative predictive value of 80%. In summary, the available evidence is currently insufficient to determine the role of this variant in disease. Therefore, it has been classified as a Variant of Uncertain Significance.